The following is an entry in ClinVar:

NM_033400.3(ZFHX2):c.1526G>A (p.Arg509His)

Genes: ZFHX2 (zinc finger homeobox 2; minus strand), THTPA (thiamine triphosphatase; plus strand). Cytogenetic location: 14q11.2.
Variant type: single nucleotide variant.
Coding change: c.1526G>A on transcript NM_033400.3 (MANE Select); coding-DNA position 1526, G replaced by A.
Protein change: p.Arg509His; replaces arginine 509 with histidine.
Molecular consequence: missense variant.
Genome position (GRCh38, 1-based): chr14:23,533,800, C>T on the plus strand (G>A on the coding strand, the complement: ZFHX2 is on the minus strand). VCF-style: chr14-23533800-C-T. GRCh37 (hg19) VCF-style: chr14-24003009-C-T.
Other names: short protein forms R509H.
Identifiers: ClinVar variation 3192917 (VCV003192917.2), dbSNP rs200422328, ClinGen allele CA7117115.
Genomic context (GRCh38, chr14:23,533,800, plus strand): 5'-GACTGCATATGGATGCTGAGGTTGCCTTTGGTGGTTGTAGAGTAGTTGCAGACGTCACAG[C>T]GGTAGGGTTTGTAGCCACAGTTGTAGCTCTCTCCACGAGCAAGGCGGGGGTGGGCGCCCC-3'
Protein context (NP_207646.2, residues 499-519): ESYNCGYKPY[Arg509His]CDVCNYSTTT

ClinVar aggregate classification (germline): Uncertain significance (1 of 4 stars; one submission).

Allele frequency attached by ClinVar (database versions not stated): TOPMed 0.00003; gnomAD 0.00001; ExAC 0.00011.
gnomAD v4.1: 125 of 1,547,726 alleles (0.0081%); highest among the groups gnomAD compares: East Asian, 0.022%; no homozygotes.

Submission:

Ambry Genetics
Classification: Uncertain significance. Last evaluated: 2026-07-03. Review status: criteria provided, single submitter. Criteria: Ambry Variant Classification Scheme 2023. Collection method: clinical testing. Allele origin: germline.
Comment: The c.1526G>A (p.R509H) alteration is located in exon 2 (coding exon 1) of the ZFHX2 gene. This alteration results from a G to A substitution at nucleotide position 1526, causing the arginine (R) at amino acid position 509 to be replaced by a histidine (H). Based on data from gnomAD, the A allele has an overall frequency of 0.006% (11/184664) total alleles studied. The highest observed frequency was 0.019% (5/26386) of Latino alleles. Based on insufficient or conflicting evidence, the clinical significance of this alteration remains unclear.